The following is an entry in ClinVar:

NM_001018115.3(FANCD2):c.4210T>A (p.Ser1404Thr)

Genes: FANCD2 (FA complementation group D2; plus strand), FANCD2OS (FANCD2 opposite strand; minus strand). Cytogenetic location: 3p25.3.
Variant type: single nucleotide variant.
Coding change: c.4210T>A on transcript NM_001018115.3 (MANE Select); coding-DNA position 4210, T replaced by A.
Protein change: p.Ser1404Thr; replaces serine 1404 with threonine.
Molecular consequence: missense variant. On other transcripts: intron variant (1).
Genome position (GRCh38, 1-based): chr3:10,098,744, T>A. VCF-style: chr3-10098744-T-A. GRCh37 (hg19) VCF-style: chr3-10140428-T-A.
Other names: c.4210T>A, p.Ser1404Thr (NM_001319984.2, NM_033084.6); c.4099T>A, p.Ser1367Thr (NM_001374253.1); c.4171T>A, p.Ser1391Thr (NM_001374254.1); c.*43+5454A>T (NM_173472.2); short protein forms S1404T, S1391T, S1367T.
Identifiers: ClinVar variation 2159008 (VCV002159008.2), dbSNP rs780000481, ClinGen allele CA2250655.

ClinVar aggregate classification (germline): Uncertain significance. Review status: criteria provided, multiple submitters, no conflicts (2 of 4 stars). 2 submissions from 2 submitters: Uncertain significance (2). Last evaluated 2024-03-12.

Conditions:
Fanconi anemia (FA). Also called: Fanconi's anemia. Identifiers: Orphanet 84, MedGen C0015625, MeSH D005199, MONDO:0019391.
Fanconi anemia complementation group D2. Also called: FANCD2-Related Fanconi Anemia; FANCONI PANCYTOPENIA, TYPE 4; FANCONI ANEMIA, COMPLEMENTATION GROUP D. Identifiers: Orphanet 84, MedGen C3160738, MONDO:0009214, OMIM 227646.

Allele frequency attached by ClinVar (database versions not stated): gnomAD 0.00002; gnomAD exomes 0.00003; TOPMed 0.00011; ExAC 0.00002.
gnomAD v4.1: 57 of 1,613,974 alleles (0.0035%); highest among the groups gnomAD compares: Non-Finnish European, 0.0037%; no homozygotes.

Submissions (2):

Fulgent Genetics
Classification: Uncertain significance for Fanconi anemia complementation group D2. Last evaluated: 2024-03-12. Review status: criteria provided, single submitter. Criteria: ACMG Guidelines, 2015. Collection method: clinical testing. Allele origin: germline.

Labcorp Genetics (formerly Invitae), Labcorp
Classification: Uncertain significance for Fanconi anemia. Last evaluated: 2021-12-02. Review status: criteria provided, single submitter. Criteria: Invitae Variant Classification Sherloc (09022015). Collection method: clinical testing. Allele origin: germline.
Comment: This sequence change replaces serine, which is neutral and polar, with threonine, which is neutral and polar, at codon 1404 of the FANCD2 protein (p.Ser1404Thr). This variant is present in population databases (rs780000481, gnomAD 0.006%). This variant has not been reported in the literature in individuals affected with FANCD2-related conditions. Algorithms developed to predict the effect of missense changes on protein structure and function (SIFT, PolyPhen-2, Align-GVGD) all suggest that this variant is likely to be tolerated. In summary, the available evidence is currently insufficient to determine the role of this variant in disease. Therefore, it has been classified as a Variant of Uncertain Significance.